The following is an entry in ClinVar:

ClinVar aggregate classification (germline): Uncertain significance (1 of 4 stars; one submission).

Conditions:
Hypertrophic cardiomyopathy 26. Also called: Cardiomyopathy, familial hypertrophic, 26. Identifiers: Orphanet 75249, MedGen C4310749, MONDO:0014883, OMIM 617047.
Myofibrillar myopathy 5. Also called: Filaminopathy (type); FILAMINOPATHY, AUTOSOMAL DOMINANT. Identifiers: Orphanet 171445, MedGen C1836050, MONDO:0012289, OMIM 609524.
Distal myopathy with posterior leg and anterior hand involvement. Also called: WILLIAMS DISTAL MYOPATHY. Identifiers: Orphanet 63273, MedGen C3279722, MONDO:0013550, OMIM 614065.

gnomAD v4.1: 1 of 1,613,938 alleles (0.000062%); highest among the groups gnomAD compares: East Asian, 0.0022%; no homozygotes.

Submission:

Labcorp Genetics (formerly Invitae), Labcorp
Classification: Uncertain significance for Distal myopathy with posterior leg and anterior hand involvement; Myofibrillar myopathy 5; Hypertrophic cardiomyopathy 26. Last evaluated: 2025-11-17. Review status: criteria provided, single submitter. Criteria: Invitae Variant Classification Sherloc (09022015). Collection method: clinical testing. Allele origin: germline.
Comment: This sequence change replaces isoleucine, which is neutral and non-polar, with valine, which is neutral and non-polar, at codon 921 of the FLNC protein (p.Ile921Val). This variant is present in population databases (no rsID available, gnomAD 0.006%). This variant has not been reported in the literature in individuals affected with FLNC-related conditions. Invitae Evidence Modeling of protein sequence and biophysical properties (such as structural, functional, and spatial information, amino acid conservation, physicochemical variation, residue mobility, and thermodynamic stability) has been performed for this missense variant. However, the output from this modeling did not meet the statistical confidence thresholds required to predict the impact of this variant on FLNC protein function. In summary, the available evidence is currently insufficient to determine the role of this variant in disease. Therefore, it has been classified as a Variant of Uncertain Significance.

NM_001458.5(FLNC):c.2761A>G (p.Ile921Val)

Gene: FLNC (filamin C; plus strand). Cytogenetic location: 7q32.1.
Variant type: single nucleotide variant.
Coding change: c.2761A>G on transcript NM_001458.5 (MANE Select); coding-DNA position 2761, A replaced by G.
Protein change: p.Ile921Val; replaces isoleucine 921 with valine.
Molecular consequence: missense variant.
Genome position (GRCh38, 1-based): chr7:128,843,527, A>G. VCF-style: chr7-128843527-A-G. GRCh37 (hg19) VCF-style: chr7-128483581-A-G.
Other names: c.2761A>G, p.Ile921Val (NM_001127487.2); short protein forms I921V.
Identifiers: ClinVar variation 4812651 (VCV004812651.1).